The following is an entry in ClinVar:

ClinVar aggregate classification (germline): Uncertain significance (1 of 4 stars; one submission).

Submission:

Labcorp Genetics (formerly Invitae), Labcorp
Classification: Uncertain significance. Last evaluated: 2021-03-30. Review status: criteria provided, single submitter. Criteria: Invitae Variant Classification Sherloc (09022015). Collection method: clinical testing. Allele origin: germline.
Comment: In summary, the available evidence is currently insufficient to determine the role of this variant in disease. Therefore, it has been classified as a Variant of Uncertain Significance. Algorithms developed to predict the effect of missense changes on protein structure and function are either unavailable or do not agree on the potential impact of this missense change (SIFT: "Tolerated"; PolyPhen-2: "Possibly Damaging"; Align-GVGD: "Class C0"). This variant has not been reported in the literature in individuals with NSMCE3-related conditions. This variant is not present in population databases (ExAC no frequency). This sequence change replaces leucine with methionine at codon 87 of the NSMCE3 protein (p.Leu87Met). The leucine residue is moderately conserved and there is a small physicochemical difference between leucine and methionine.

NM_138704.4(NSMCE3):c.259C>A (p.Leu87Met)

Genes: ENTREP2 (endosomal transmembrane epsin interactor 2; minus strand), NSMCE3 (NSE3 component of SMC5/6 complex; minus strand). Cytogenetic location: 15q13.1.
Variant type: single nucleotide variant.
Coding change: c.259C>A on transcript NM_138704.4 (MANE Select); coding-DNA position 259, C replaced by A.
Protein change: p.Leu87Met; replaces leucine 87 with methionine.
Molecular consequence: missense variant. On other transcripts: intron variant (5).
Genome position (GRCh38, 1-based): chr15:29,269,447, G>T on the plus strand (C>A on the coding strand, the complement: NSMCE3 is on the minus strand). VCF-style: chr15-29269447-G-T. GRCh37 (hg19) VCF-style: chr15-29561651-G-T.
Other names: c.-12-16969C>A (NM_001387217.1, NM_001387215.1, NM_001387216.1); c.277-16969C>A (NM_001387214.1, NM_015307.2); short protein forms L87M.
Identifiers: ClinVar variation 1474902 (VCV001474902.8), dbSNP rs2043559118, ClinGen allele CA391484616.